The following is an entry in ClinVar:

ClinVar aggregate classification (germline): Uncertain significance (1 of 4 stars; one submission).

Allele frequency attached by ClinVar (database versions not stated): gnomAD 0.00030; ExAC 0.00073.
gnomAD v4.1: 695 of 1,540,252 alleles (0.045%); highest among the groups gnomAD compares: Non-Finnish European, 0.059%; no homozygotes.

Submission:

GeneDx
Classification: Uncertain significance. Last evaluated: 2022-07-17. Review status: criteria provided, single submitter. Criteria: GeneDx Variant Classification Process June 2021. Collection method: clinical testing. Allele origin: germline. Affected: yes.
Comment: In silico analysis supports that this missense variant has a deleterious effect on protein structure/function; Has not been previously published as pathogenic or benign to our knowledge; Variants in candidate genes are classified as variants of uncertain significance in accordance with ACMG guidelines (Richards et al., 2015); This variant is associated with the following publications: (PMID: 32629392, Robin2013[abstract])

NM_005475.3(SH2B3):c.127C>T (p.Arg43Cys)

Gene: SH2B3 (SH2B adaptor protein 3; plus strand). Cytogenetic location: 12q24.12.
Variant type: single nucleotide variant.
Coding change: c.127C>T on transcript NM_005475.3 (MANE Select); coding-DNA position 127, C replaced by T.
Protein change: p.Arg43Cys; replaces arginine 43 with cysteine.
Molecular consequence: missense variant.
Genome position (GRCh38, 1-based): chr12:111,418,272, C>T. VCF-style: chr12-111418272-C-T. GRCh37 (hg19) VCF-style: chr12-111856076-C-T.
Other names: short protein forms R43C.
Identifiers: ClinVar variation 3252447 (VCV003252447.1), dbSNP rs757743643.